The following is an entry in ClinVar:

ClinVar aggregate classification (germline): Uncertain significance (1 of 4 stars; one submission).

Conditions:
Fanconi anemia complementation group I (FANCI). Also called: FANCI-Related Fanconi Anemia. Identifiers: Orphanet 84, MedGen C1836861, MONDO:0012186, OMIM 609053.

Allele frequency attached by ClinVar (database versions not stated): gnomAD exomes below 0.00001.
gnomAD v4.1: 1 of 1,614,160 alleles (0.000062%); highest among the groups gnomAD compares: Non-Finnish European, 0.000085%; no homozygotes.

Submission:

Baylor Genetics
Classification: Uncertain significance for Fanconi anemia complementation group I. Last evaluated: 2020-01-07. Review status: criteria provided, single submitter. Criteria: ACMG Guidelines, 2015. Collection method: clinical testing. Allele origin: unknown. Affected: yes. Study: CSER-TexasKidsCanSeq.
Comment: This variant was determined to be of uncertain significance according to ACMG Guidelines, 2015 [PMID:25741868].

NM_001113378.2(FANCI):c.775G>A (p.Val259Met)

Gene: FANCI (FA complementation group I; plus strand). Cytogenetic location: 15q26.1.
Variant type: single nucleotide variant.
Coding change: c.775G>A on transcript NM_001113378.2 (MANE Select); coding-DNA position 775, G replaced by A.
Protein change: p.Val259Met; replaces valine 259 with methionine.
Molecular consequence: missense variant.
Genome position (GRCh38, 1-based): chr15:89,268,418, G>A. VCF-style: chr15-89268418-G-A. GRCh37 (hg19) VCF-style: chr15-89811649-G-A.
Other names: c.496G>A, p.Val166Met (NM_001376910.1); c.775G>A, p.Val259Met (NM_001376911.1, NM_018193.3); short protein forms V166M, V259M.
Identifiers: ClinVar variation 998243 (VCV000998243.1), dbSNP rs2053062704, ClinGen allele CA393740078.